The following is an entry in ClinVar:

NM_001355436.2(SPTB):c.4640C>T (p.Ala1547Val)

Gene: SPTB (spectrin beta, erythrocytic; minus strand). Cytogenetic location: 14q23.3.
Variant type: single nucleotide variant.
Coding change: c.4640C>T on transcript NM_001355436.2 (MANE Select); coding-DNA position 4640, C replaced by T.
Protein change: p.Ala1547Val; replaces alanine 1547 with valine.
Molecular consequence: missense variant.
Genome position (GRCh38, 1-based): chr14:64,775,327, G>A on the plus strand (C>T on the coding strand, the complement: SPTB is on the minus strand). VCF-style: chr14-64775327-G-A. GRCh37 (hg19) VCF-style: chr14-65242045-G-A.
Other names: c.4640C>T, p.Ala1547Val (NM_001024858.4, NM_001355437.2); short protein forms A1547V.
Identifiers: ClinVar variation 4770948 (VCV004770948.1).

ClinVar aggregate classification (germline): Uncertain significance (1 of 4 stars; one submission).

gnomAD v4.1: 19 of 1,613,204 alleles (0.0012%); highest among the groups gnomAD compares: Middle Eastern, 0.016%; no homozygotes.

Submission:

Labcorp Genetics (formerly Invitae), Labcorp
Classification: Uncertain significance. Last evaluated: 2025-03-06. Review status: criteria provided, single submitter. Criteria: Invitae Variant Classification Sherloc (09022015). Collection method: clinical testing. Allele origin: germline.
Comment: This sequence change replaces alanine, which is neutral and non-polar, with valine, which is neutral and non-polar, at codon 1547 of the SPTB protein (p.Ala1547Val). This variant is present in population databases (rs758456079, gnomAD 0.004%). This variant has not been reported in the literature in individuals affected with SPTB-related conditions. An algorithm developed to predict the effect of missense changes on protein structure and function outputs the following: PolyPhen-2: "Benign". The valine amino acid residue is found in multiple mammalian species, which suggests that this missense change does not adversely affect protein function. In summary, the available evidence is currently insufficient to determine the role of this variant in disease. Therefore, it has been classified as a Variant of Uncertain Significance.